The following is an entry in ClinVar:

NM_004333.6(BRAF):c.1141-1346C>T

Gene: BRAF (B-Raf proto-oncogene, serine/threonine kinase; minus strand). Cytogenetic location: 7q34.
Variant type: single nucleotide variant.
Coding change: c.1141-1346C>T on transcript NM_004333.6 (MANE Select); 1346 bases into the intron before coding-DNA position 1141, C replaced by T.
Molecular consequence: intron variant.
Genome position (GRCh38, 1-based): chr7:140,788,930, G>A on the plus strand (C>T on the coding strand, the complement: BRAF is on the minus strand). VCF-style: chr7-140788930-G-A. GRCh37 (hg19) VCF-style: chr7-140488730-G-A.
Other names: c.1141-1346C>T (NM_001378474.1, NM_001378468.1, NM_001354609.2 and 3 more transcripts); c.1039-1346C>T (NM_001378470.1); c.877-1346C>T (NM_001378475.1); c.1140+5378C>T (NM_001378471.1); c.1150-1346C>T (NM_001378467.1); c.985-1346C>T (NM_001378472.1, NM_001378473.1).
Identifiers: ClinVar variation 2658048 (VCV002658048.24), dbSNP rs187578630, ClinGen allele CA168096010.
Genomic context (GRCh38, chr7:140,788,930, plus strand): 5'-TAAGCCGCCGCAACCGGCCACTAAAATTTGTCTTTATTATTAAAATATAGCTCTTTATGC[G>A]CCGGGTGCGGTGGCTCAAGCCTGTAATACCAGCACTTTGGGAGGCTGAGGCTGGTGGATC-3'

ClinVar aggregate classification (germline): Benign (1 of 4 stars; one submission).

Allele frequency attached by ClinVar (database versions not stated): 1000 Genomes Project 30x 0.00094; 1000 Genomes Project 0.00120.
gnomAD v4.1: 206 of 151,796 alleles (0.14%); highest among the groups gnomAD compares: African/African-American, 0.44%; 1 homozygote.

Submission:

CeGaT Center for Human Genetics Tuebingen
Classification: Benign. Last evaluated: 2022-09-01. Review status: criteria provided, single submitter. Criteria: CeGaT Center For Human Genetics Tuebingen Variant Classification Criteria Version 2. Collection method: clinical testing. Allele origin: germline. Affected: yes. Observed: 1 variant allele.
Comment: BRAF: BS1, BS2